The following is an entry in ClinVar:

ClinVar aggregate classification (germline): Likely benign (1 of 4 stars; one submission).

Conditions:
PKD1-related disorder. Also called: PKD1-related condition.

gnomAD v4.1: 44 of 1,472,960 alleles (0.003%); highest among the groups gnomAD compares: South Asian, 0.049%; no homozygotes.

Submission:

PreventionGenetics, part of Exact Sciences
Classification: Likely benign for PKD1-related condition. Last evaluated: 2024-12-27. Review status: criteria provided, single submitter. Criteria: ACMG Guidelines, 2015. Collection method: clinical testing. Allele origin: germline.
Comment: This variant is classified as likely benign based on ACMG/AMP sequence variant interpretation guidelines (Richards et al. 2015 PMID: 25741868, with internal and published modifications).

NM_001009944.3(PKD1):c.8172C>A (p.Ile2724=)

Gene: PKD1 (polycystin 1, transient receptor potential channel interacting; minus strand). Cytogenetic location: 16p13.3.
Variant type: single nucleotide variant.
Coding change: c.8172C>A on transcript NM_001009944.3 (MANE Select); coding-DNA position 8172, C replaced by A.
Protein change: p.Ile2724=; no amino-acid change (isoleucine 2724 retained).
Molecular consequence: synonymous variant.
Genome position (GRCh38, 1-based): chr16:2,103,885, G>T on the plus strand (C>A on the coding strand, the complement: PKD1 is on the minus strand). VCF-style: chr16-2103885-G-T. GRCh37 (hg19) VCF-style: chr16-2153886-G-T.
Other names: c.8172C>A, p.Ile2724= (NM_000296.4).
Identifiers: ClinVar variation 4978045 (VCV004978045.1).
Genomic context (GRCh38, chr16:2,103,885, plus strand): 5'-TGGTGACTCGGCTCCCAGCTCTGAGGGCTGTGGTGCCCGCACGTCCGAGCTGGCCAGGTG[G>T]ATGAGGTCTCCTGCAGACATGCGTGAGGTCAGTGCAGAGACAGGGAGGTAGAGGGAGGGT-3'
Protein context (NP_001009944.3, residues 2714-2734): DSILNITGDL[Ile2724=]HLASSDVRAP